The following is an entry in ClinVar:

ClinVar aggregate classification (germline): Conflicting classifications of pathogenicity. Review status: criteria provided, conflicting classifications (1 of 4 stars). 4 submissions from 4 submitters: Uncertain significance (2); Likely benign (1). 1 of the submissions does not count toward it. Last evaluated 2021-08-31.

Conditions:
Obesity due to congenital leptin deficiency. Also called: Leptin deficiency or dysfunction. Identifiers: Orphanet 66628, MedGen C3554224, MONDO:0013991, OMIM 614962.
LEP-related disorder. Also called: LEP-related condition.

Allele frequency attached by ClinVar (database versions not stated): gnomAD 0.00021 and 0.00025; TOPMed 0.00028; gnomAD exomes 0.00032 and 0.00037; ExAC 0.00041; ESP Exome Variant Server 0.00046; 1000 Genomes Project 30x 0.00094; 1000 Genomes Project 0.00120.

Submissions (4):

Labcorp Genetics (formerly Invitae), Labcorp
Classification: Uncertain significance. Last evaluated: 2021-08-31. Review status: criteria provided, single submitter. Criteria: Invitae Variant Classification Sherloc (09022015). Collection method: clinical testing. Allele origin: germline.
Comment: This sequence change replaces tyrosine with cysteine at codon 18 of the LEP protein (p.Tyr18Cys). The tyrosine residue is highly conserved and there is a large physicochemical difference between tyrosine and cysteine. This variant is present in population databases (rs148407750, ExAC 0.3%). This missense change has been observed in individual(s) with morbid obesity (PMID: 28377240). ClinVar contains an entry for this variant (Variation ID: 910456). Algorithms developed to predict the effect of missense changes on protein structure and function output the following: SIFT: "Tolerated"; PolyPhen-2: "Benign"; Align-GVGD: "Class C0". The cysteine amino acid residue is found in multiple mammalian species, which suggests that this missense change does not adversely affect protein function. In summary, the available evidence is currently insufficient to determine the role of this variant in disease. Therefore, it has been classified as a Variant of Uncertain Significance.

Illumina Laboratory Services, Illumina
Classification: Uncertain significance for Obesity due to congenital leptin deficiency. Last evaluated: 2017-06-18. Review status: criteria provided, single submitter. Criteria: ICSL Variant Classification Criteria 13 December 2019. Collection method: clinical testing. Allele origin: germline.
Comment: This variant was observed as part of a predisposition screen in an ostensibly healthy population. A literature search was performed for the gene, cDNA change, and amino acid change (where applicable). Publications were found based on this search. However, the evidence from the literature, in combination with allele frequency data from public databases where available, was not sufficient to rule this variant in or out of causing disease. Therefore, this variant is classified as a variant of unknown significance.

GeneDx
Classification: Likely benign. Last evaluated: 2015-03-03. Review status: criteria provided, single submitter. Criteria: GeneDx Variant Classification Process June 2021. Collection method: clinical testing. Allele origin: germline. Affected: yes.
Comment: See Variant Classification Assertion Criteria.

PreventionGenetics, part of Exact Sciences
Classification: Likely benign for LEP-related condition. Last evaluated: 2022-06-21. Review status: no assertion criteria provided. Collection method: clinical testing. Allele origin: germline. Not counted in ClinVar's aggregate classification.
Comment: This variant is classified as likely benign based on ACMG/AMP sequence variant interpretation guidelines (Richards et al. 2015 PMID: 25741868, with internal and published modifications).

Literature cited by the submitters: PubMed 28377240 (cited by Labcorp Genetics (formerly Invitae), Labcorp); PubMed 28209183 (cited by Illumina Laboratory Services, Illumina).

NM_000230.3(LEP):c.53A>G (p.Tyr18Cys)

Gene: LEP (leptin; plus strand). Cytogenetic location: 7q32.1.
Variant type: single nucleotide variant.
Coding change: c.53A>G on transcript NM_000230.3 (MANE Select); coding-DNA position 53, A replaced by G.
Protein change: p.Tyr18Cys; replaces tyrosine 18 with cysteine.
Molecular consequence: missense variant.
Genome position (GRCh38, 1-based): chr7:128,252,071, A>G. VCF-style: chr7-128252071-A-G. GRCh37 (hg19) VCF-style: chr7-127892124-A-G.
Other names: short protein forms Y18C.
Identifiers: ClinVar variation 910456 (VCV000910456.11), dbSNP rs148407750, ClinGen allele CA4469626.